The following is an entry in ClinVar:

NM_007374.3(SIX6):c.389A>G (p.Gln130Arg)

Genes: SIX6 (SIX homeobox 6; plus strand), C14orf39 (chromosome 14 open reading frame 39; minus strand). Cytogenetic location: 14q23.1.
Variant type: single nucleotide variant.
Coding change: c.389A>G on transcript NM_007374.3 (MANE Select); coding-DNA position 389, A replaced by G.
Protein change: p.Gln130Arg; replaces glutamine 130 with arginine.
Molecular consequence: missense variant.
Genome position (GRCh38, 1-based): chr14:60,509,787, A>G. VCF-style: chr14-60509787-A-G. GRCh37 (hg19) VCF-style: chr14-60976505-A-G.
Other names: short protein forms Q130R.
Identifiers: ClinVar variation 883182 (VCV000883182.5), dbSNP rs367714528, ClinGen allele CA7212587.

ClinVar aggregate classification (germline): Uncertain significance. Review status: criteria provided, multiple submitters, no conflicts (2 of 4 stars). 2 submissions from 2 submitters: Uncertain significance (2). Last evaluated 2022-04-24.

Conditions:
Anophthalmia-microphthalmia syndrome. Also called: Anophthalmia/Microphthalmia; Anophthalmia - microphthalmia. Identifiers: Orphanet 98555, MedGen C5680330, MONDO:0020147.

Allele frequency attached by ClinVar (database versions not stated): gnomAD exomes below 0.00001 and 0.00001; ExAC 0.00001; gnomAD 0.00001; TOPMed 0.00004; ESP Exome Variant Server 0.00008.
gnomAD v4.1: 14 of 1,613,134 alleles (0.00087%); highest among the groups gnomAD compares: African/African-American, 0.0013%; no homozygotes.

Submissions (2):

Labcorp Genetics (formerly Invitae), Labcorp
Classification: Uncertain significance. Last evaluated: 2022-04-24. Review status: criteria provided, single submitter. Criteria: Invitae Variant Classification Sherloc (09022015). Collection method: clinical testing. Allele origin: germline.
Comment: This sequence change replaces glutamine, which is neutral and polar, with arginine, which is basic and polar, at codon 130 of the SIX6 protein (p.Gln130Arg). This variant is present in population databases (rs367714528, gnomAD 0.007%). This variant has not been reported in the literature in individuals affected with SIX6-related conditions. ClinVar contains an entry for this variant (Variation ID: 883182). Algorithms developed to predict the effect of missense changes on protein structure and function are either unavailable or do not agree on the potential impact of this missense change (SIFT: "Deleterious"; PolyPhen-2: "Probably Damaging"; Align-GVGD: "Class C0"). In summary, the available evidence is currently insufficient to determine the role of this variant in disease. Therefore, it has been classified as a Variant of Uncertain Significance.

Illumina Laboratory Services, Illumina
Classification: Uncertain significance for Anophthalmia-microphthalmia syndrome. Last evaluated: 2018-01-13. Review status: criteria provided, single submitter. Criteria: ICSL Variant Classification Criteria 13 December 2019. Collection method: clinical testing. Allele origin: germline.